The following is an entry in ClinVar:

ClinVar aggregate classification (germline): Uncertain significance (1 of 4 stars; one submission).

Submission:

GeneDx
Classification: Uncertain significance. Last evaluated: 2026-02-18. Review status: criteria provided, single submitter. Criteria: GeneDx Variant Classification Process June 2021. Collection method: clinical testing. Allele origin: germline.
Comment: Not observed at significant frequency in large population cohorts (gnomAD); In silico analysis suggests that this missense variant does not alter protein structure/function; Has not been previously published as pathogenic or benign to our knowledge

NM_001395002.1(MAP4K4):c.1270G>C (p.Glu424Gln)

Gene: MAP4K4 (mitogen-activated protein kinase kinase kinase kinase 4; plus strand). Cytogenetic location: 2q11.2.
Variant type: single nucleotide variant.
Coding change: c.1270G>C on transcript NM_001395002.1 (MANE Select); coding-DNA position 1270, G replaced by C.
Protein change: p.Glu424Gln; replaces glutamic acid 424 with glutamine.
Molecular consequence: missense variant. On other transcripts: non-coding transcript variant (4).
Genome position (GRCh38, 1-based): chr2:101,856,013, G>C. VCF-style: chr2-101856013-G-C. GRCh37 (hg19) VCF-style: chr2-102472475-G-C.
Other names: c.1270G>C, p.Glu424Gln (NM_001242559.2, NM_001242560.2, NM_001384476.1 and 28 more transcripts); c.1243G>C, p.Glu415Gln (NM_001384549.1, NM_001384550.1, NM_001384551.1 and 16 more transcripts); short protein forms E415Q, E424Q.
Identifiers: ClinVar variation 5009678 (VCV005009678.1).
Genomic context (GRCh38, chr2:101,856,013, plus strand): 5'-AATTATACATTTTTACTTACGTAGCAACAAAGGAGAGAGCGGGAAGCTAGAAGGCAGCAG[G>C]AACGTGAACAGCGAAGGAGAGAACAAGAAGAAAAGAGGCGTCTAGAGGAGTTGGAGAGAA-3'
Protein context (NP_001381931.1, residues 414-434): RREREARRQQ[Glu424Gln]REQRRREQEE